The following is an entry in ClinVar:

NM_004370.6(COL12A1):c.2351C>T (p.Pro784Leu)

Gene: COL12A1 (collagen type XII alpha 1 chain; minus strand). Cytogenetic location: 6q13.
Variant type: single nucleotide variant.
Coding change: c.2351C>T on transcript NM_004370.6 (MANE Select); coding-DNA position 2351, C replaced by T.
Protein change: p.Pro784Leu; replaces proline 784 with leucine.
Molecular consequence: missense variant. On other transcripts: intron variant (2).
Genome position (GRCh38, 1-based): chr6:75,177,749, G>A on the plus strand (C>T on the coding strand, the complement: COL12A1 is on the minus strand). VCF-style: chr6-75177749-G-A. GRCh37 (hg19) VCF-style: chr6-75887465-G-A.
Other names: c.2351C>T, p.Pro784Leu (NM_001424113.1, NM_001424114.1, NM_001424115.1); c.73+24971C>T (NM_001424116.1, NM_080645.3); c.2351C>T (NM_004370.5); short protein forms P784L.
Identifiers: ClinVar variation 2953239 (VCV002953239.4), dbSNP rs2533533315, ClinGen allele CA364763888.

ClinVar aggregate classification (germline): Uncertain significance. Review status: criteria provided, multiple submitters, no conflicts (2 of 4 stars). 2 submissions from 2 submitters: Uncertain significance (2). Last evaluated 2024-05-19.

Conditions:
Ullrich congenital muscular dystrophy 2 (UCMD2). Identifiers: Orphanet 75840, MedGen C4225314, MONDO:0014654, OMIM 616470.
Bethlem myopathy 2 (BTHLM2). Identifiers: Orphanet 536516, Orphanet 610, MedGen C4225313, MONDO:0034022, OMIM 616471.

Submissions (2):

GeneDx
Classification: Uncertain significance. Last evaluated: 2024-05-19. Review status: criteria provided, single submitter. Criteria: GeneDx Variant Classification Process June 2021. Collection method: clinical testing. Allele origin: germline. Affected: yes.
Comment: Not observed at significant frequency in large population cohorts (gnomAD); In silico analysis supports that this missense variant has a deleterious effect on protein structure/function; Has not been previously published as pathogenic or benign to our knowledge

Labcorp Genetics (formerly Invitae), Labcorp
Classification: Uncertain significance for Bethlem myopathy 2; Ullrich congenital muscular dystrophy 2. Last evaluated: 2023-10-23. Review status: criteria provided, single submitter. Criteria: Invitae Variant Classification Sherloc (09022015). Collection method: clinical testing. Allele origin: germline.
Comment: This sequence change replaces proline, which is neutral and non-polar, with leucine, which is neutral and non-polar, at codon 784 of the COL12A1 protein (p.Pro784Leu). This variant is not present in population databases (gnomAD no frequency). This variant has not been reported in the literature in individuals affected with COL12A1-related conditions. Advanced modeling of protein sequence and biophysical properties (such as structural, functional, and spatial information, amino acid conservation, physicochemical variation, residue mobility, and thermodynamic stability) performed at Invitae indicates that this missense variant is not expected to disrupt COL12A1 protein function with a negative predictive value of 80%. In summary, the available evidence is currently insufficient to determine the role of this variant in disease. Therefore, it has been classified as a Variant of Uncertain Significance.